The following is an entry in ClinVar:

ClinVar aggregate classification (germline): Pathogenic. Review status: criteria provided, multiple submitters, no conflicts (2 of 4 stars). 8 submissions from 8 submitters: Pathogenic (6). 2 of the submissions do not count toward it. Last evaluated 2025-11-12.

Conditions:
Mitochondrial short-chain Enoyl-Coa hydratase 1 deficiency. Also called: PxMD-ECHS1; Mitochondrial Short-Chain Enoyl-CoA Hydratase Deficiency; ECHS1 deficiency. Identifiers: Orphanet 255241, Orphanet 653880, MedGen C4225391, MONDO:0014563, OMIM 616277.
Leigh syndrome (NULS). Also called: Leigh Syndrome (mtDNA deletion); Leigh's syndrome; Leigh's necrotizing encephalopathy; Leigh's disease; Leigh Disease; Subacute necrotizing encephalopathy. Identifiers: Orphanet 506, MedGen C2931891, MONDO:0009723, OMIM 256000.

Allele frequency attached by ClinVar (database versions not stated): ExAC below 0.00001; gnomAD exomes 0.00001; TOPMed 0.00002; gnomAD 0.00004.
gnomAD v4.1: 46 of 1,502,630 alleles (0.0031%); highest among the groups gnomAD compares: East Asian, 0.0085%; no homozygotes.

Submissions (8):

GeneDx
Classification: Pathogenic. Last evaluated: 2025-11-12. Review status: criteria provided, single submitter. Criteria: GeneDx Variant Classification Process June 2021. Collection method: clinical testing. Allele origin: germline. Affected: yes.
Comment: Published functional studies demonstrate a damaging effect as A2V was associated with a reduction in protein expression and enzyme activity (PMID: 25393721); In silico analysis suggests that this missense variant does not alter protein structure/function; This variant is associated with the following publications: (PMID: 34667719, 25393721, 31967322, 33139125, 32677908, 33163364, 35094435, 35014173)

Labcorp Genetics (formerly Invitae), Labcorp
Classification: Pathogenic. Last evaluated: 2025-08-14. Review status: criteria provided, single submitter. Criteria: Invitae Variant Classification Sherloc (09022015). Collection method: clinical testing. Allele origin: germline.
Comment: This sequence change replaces alanine, which is neutral and non-polar, with valine, which is neutral and non-polar, at codon 2 of the ECHS1 protein (p.Ala2Val). The frequency data for this variant in the population databases is considered unreliable, as metrics indicate poor data quality at this position in the gnomAD database. This missense change has been observed in individual(s) with ECHS1-related conditions (PMID: 25393721, 32677908, 33139125, 33163364). In at least one individual the data is consistent with being in trans (on the opposite chromosome) from a pathogenic variant. ClinVar contains an entry for this variant (Variation ID: 156434). An algorithm developed to predict the effect of missense changes on protein structure and function (PolyPhen-2) suggests that this variant is likely to be tolerated. Studies have shown that this missense change alters ECHS1 gene expression (PMID: 25393721). For these reasons, this variant has been classified as Pathogenic.

ARUP Laboratories, Molecular Genetics and Genomics, ARUP Laboratories
Classification: Pathogenic for Mitochondrial short-chain Enoyl-Coa hydratase 1 deficiency. Last evaluated: 2022-10-21. Review status: criteria provided, single submitter. Criteria: ARUP Molecular Germline Variant Investigation Process 2021. Collection method: clinical testing. Allele origin: germline.
Comment: The ECHS1 c.5C>T; p.Ala2Val variant (rs587776498) is reported in the literature in the compound heterozygous state in several individuals affected with Leigh syndrome (Kuwajima 2021, Ogawa 2020, Sakai 2015, Sato-Shirai 2021, Stenton 2022, Sun 2020, Uesugi 2020, Yang 2022). This variant is also reported in ClinVar (Variation ID: 156434), but is only observed on three alleles in the Genome Aggregation Database, indicating it is not a common polymorphism. The alanine at codon 2 is weakly conserved, and computational analyses are uncertain whether this variant is neutral or deleterious (REVEL: 0.604). However, functional analyses of the variant protein show decreased expression and enzyme activity (Sakai 2015). Based on available information, this variant is considered to be pathogenic. References: Kuwajima M et al. Valine metabolites analysis in ECHS1 deficiency. Mol Genet Metab Rep. 2021 Oct 9;29:100809. PMID: 34667719. Ogawa E et al. Mortality of Japanese patients with Leigh syndrome: Effects of age at onset and genetic diagnosis. J Inherit Metab Dis. 2020 Jul;43(4):819-826. PMID: 31967322. Sakai C et al. ECHS1 mutations cause combined respiratory chain deficiency resulting in Leigh syndrome. Hum Mutat. 2015 Feb;36(2):232-9. PMID: 25393721. Sato-Shirai I et al. Valine-restricted diet for patients with ECHS1 deficiency: Divergent clinical outcomes in two Japanese siblings. Brain Dev. 2021 Feb;43(2):308-313. PMID: 33139125. Stenton SL et al. Leigh Syndrome: A Study of 209 Patients at the Beijing Children's Hospital. Ann Neurol. 2022 Apr;91(4):466-482. PMID: 35094435. Sun D et al. Novel ECHS1 mutations in Leigh syndrome identified by whole-exome sequencing in five Chinese families: case report. BMC Med Genet. 2020 Jul 16;21(1):149. PMID: 32677908. Uesugi M et al. Short-chain enoyl-CoA hydratase deficiency causes prominent ketoacidosis with normal plasma lactate levels: A case report. Mol Genet Metab Rep. 2020 Oct 30;25:100672. PMID: 33163364. Yang Z et al. Whole-exome sequencing identified novel variants in three Chinese Leigh syndrome pedigrees. Am J Med Genet A. 2022 Apr;188(4):1214-1225. PMID: 35014173.

Revvity Omics, Revvity
Classification: Pathogenic for Mitochondrial short-chain Enoyl-Coa hydratase 1 deficiency. Last evaluated: 2022-09-21. Review status: criteria provided, single submitter. Criteria: ACMG Guidelines, 2015. Collection method: clinical testing. Allele origin: germline.

Mendelics
Classification: Pathogenic for Mitochondrial short-chain Enoyl-Coa hydratase 1 deficiency. Last evaluated: 2019-05-28. Review status: criteria provided, single submitter. Criteria: Mendelics Assertion Criteria 2017. Collection method: clinical testing. Allele origin: unknown.

Juno Genomics, Hangzhou Juno Genomics, Inc
Classification: Pathogenic for Mitochondrial short-chain Enoyl-Coa hydratase 1 deficiency. Review status: criteria provided, single submitter. Criteria: ACMG Guidelines, 2015. Collection method: clinical testing. Allele origin: germline.
Comment: Absent from controls (or at extremely low frequency if recessive) in Genome Aggregation Database.;For recessive disorders, detected in trans with a pathogenic variant.;Well-established in vitro or in vivo functional studies supportive of a damaging effect on the gene or gene product.

OMIM
Classification: Pathogenic for MITOCHONDRIAL SHORT-CHAIN ENOYL-CoA HYDRATASE 1 DEFICIENCY. Last evaluated: 2015-02-01. Review status: no assertion criteria provided. Collection method: literature only. Allele origin: germline. Not counted in ClinVar's aggregate classification.

Department of Mental Retardation and Birth Defect Research,  National Center of Neurology and Psychiatry
Classification: Likely pathogenic for Leigh's disease. Review status: no assertion criteria provided. Collection method: not provided. Allele origin: maternal. Not counted in ClinVar's aggregate classification.
ClinVar note: Converted during submission from probable-pathogenic to Likely pathogenic.

Literature cited by the submitters: PubMed 25393721 (cited by Labcorp Genetics (formerly Invitae), Labcorp and OMIM); PubMed 32677908 (cited by Labcorp Genetics (formerly Invitae), Labcorp); PubMed 33139125 (cited by Labcorp Genetics (formerly Invitae), Labcorp); PubMed 33163364 (cited by Labcorp Genetics (formerly Invitae), Labcorp).

NM_004092.4(ECHS1):c.5C>T (p.Ala2Val)

Genes: ECHS1 (enoyl-CoA hydratase, short chain 1; minus strand), LOC130005023 (ATAC-STARR-seq lymphoblastoid silent region 2977; plus strand). Cytogenetic location: 10q26.3.
Variant type: single nucleotide variant.
Coding change: c.5C>T on transcript NM_004092.4 (MANE Select); coding-DNA position 5, C replaced by T.
Protein change: p.Ala2Val; replaces alanine 2 with valine.
Molecular consequence: missense variant.
Genome position (GRCh38, 1-based): chr10:133,373,329, G>A on the plus strand (C>T on the coding strand, the complement: ECHS1 is on the minus strand). VCF-style: chr10-133373329-G-A. GRCh37 (hg19) VCF-style: chr10-135186833-G-A.
Other names: short protein forms A2V.
Identifiers: ClinVar variation 156434 (VCV000156434.18), dbSNP rs587776498, ClinGen allele CA214806.
Genomic context (GRCh38, chr10:133,373,329, plus strand): 5'-GGACAGCGAACCGGGGGCCTCAGCGGGCCGCGGACGCAGGACAGCAGGACACGCAGGGCG[G>A]CCATGGCTCTCTGGACTCCTCGCCCGGCCCCGCGGAGCCGCCCCCTCGCCTATAGCCTTT-3'
Protein context (NP_004083.3, residues 1-12): M[Ala2Val]ALRVLLSCVR